The following is an entry in ClinVar:

ClinVar aggregate classification (germline): Likely benign (1 of 4 stars; one submission).

gnomAD v4.1: 8,348 of 1,613,738 alleles (0.52%); highest among the groups gnomAD compares: Non-Finnish European, 0.5%; 61 homozygotes.

Submission:

CeGaT Center for Human Genetics Tuebingen
Classification: Likely benign. Last evaluated: 2026-02-01. Review status: criteria provided, single submitter. Criteria: CeGaT Center For Human Genetics Tuebingen Variant Classification Criteria Version 2. Collection method: clinical testing. Allele origin: germline. Affected: yes. Observed: 2 variant alleles.
Comment: MACF1: BP4, BS2

NM_001394062.1(MACF1):c.6571C>T (p.His2191Tyr)

Gene: MACF1 (microtubule actin crosslinking factor 1; plus strand). Cytogenetic location: 1p34.3.
Variant type: single nucleotide variant.
Coding change: c.6571C>T on transcript NM_001394062.1 (MANE Select); coding-DNA position 6571, C replaced by T.
Protein change: p.His2191Tyr; replaces histidine 2191 with tyrosine.
Molecular consequence: missense variant. On other transcripts: intron variant (1).
Genome position (GRCh38, 1-based): chr1:39,333,159, C>T. VCF-style: chr1-39333159-C-T. GRCh37 (hg19) VCF-style: chr1-39798831-C-T.
Other names: c.4629+5806C>T (NM_012090.5); short protein forms H2191Y.
Identifiers: ClinVar variation 3770494 (VCV003770494.13).